The following is an entry in ClinVar:

ClinVar aggregate classification (germline): Uncertain significance (1 of 4 stars; one submission).

Submission:

Labcorp Genetics (formerly Invitae), Labcorp
Classification: Uncertain significance. Last evaluated: 2023-07-01. Review status: criteria provided, single submitter. Criteria: Invitae Variant Classification Sherloc (09022015). Collection method: clinical testing. Allele origin: germline.
Comment: This sequence change replaces leucine, which is neutral and non-polar, with glycine, which is neutral and non-polar, at codon 56 of the HS6ST1 protein (p.Leu56Gly). Information on the frequency of this variant in the gnomAD database is not available, as this variant may be reported differently in the database. This variant has not been reported in the literature in individuals affected with HS6ST1-related conditions. An algorithm developed to predict the effect of missense changes on protein structure and function (PolyPhen-2) suggests that this variant is likely to be disruptive. In summary, the available evidence is currently insufficient to determine the role of this variant in disease. Therefore, it has been classified as a Variant of Uncertain Significance.

NM_004807.3(HS6ST1):c.166_167delinsGG (p.Leu56Gly)

Gene: HS6ST1 (heparan sulfate 6-O-sulfotransferase 1; minus strand). Cytogenetic location: 2q14.3.
Variant type: Indel.
Coding change: c.166_167delinsGG on transcript NM_004807.3 (MANE Select); coding-DNA positions 166 to 167, CT replaced by GG.
Protein change: p.Leu56Gly; replaces leucine 56 with glycine.
Molecular consequence: missense variant.
Genome position (GRCh38, 1-based): chr2:128,318,397-128,318,398, AG replaced by CC on the plus strand (CT replaced by GG on the coding strand, the reverse complement: HS6ST1 is on the minus strand). VCF-style: chr2-128318397-AG-CC. GRCh37 (hg19) VCF-style: chr2-129075971-AG-CC.
Other names: short protein forms L56G.
Identifiers: ClinVar variation 2729245 (VCV002729245.3), dbSNP rs2467825001, ClinGen allele CA2697551023.